The following is an entry in ClinVar:

ClinVar aggregate classification (germline): Uncertain significance. Review status: criteria provided, multiple submitters, no conflicts (2 of 4 stars). 3 submissions from 3 submitters: Uncertain significance (3). Last evaluated 2025-12-24.

Allele frequency attached by ClinVar (database versions not stated): gnomAD 0.00003; TOPMed 0.00004; gnomAD exomes 0.00007; ExAC 0.00009; ESP Exome Variant Server 0.00022.
gnomAD v4.1: 101 of 1,551,732 alleles (0.0065%); highest among the groups gnomAD compares: Non-Finnish European, 0.0081%; no homozygotes.

Submissions (3):

Ambry Genetics
Classification: Uncertain significance. Last evaluated: 2025-12-24. Review status: criteria provided, single submitter. Criteria: Ambry Variant Classification Scheme 2023. Collection method: clinical testing. Allele origin: germline.

Labcorp Genetics (formerly Invitae), Labcorp
Classification: Uncertain significance. Last evaluated: 2025-10-14. Review status: criteria provided, single submitter. Criteria: Invitae Variant Classification Sherloc (09022015). Collection method: clinical testing. Allele origin: germline.
Comment: This sequence change replaces tryptophan, which is neutral and slightly polar, with arginine, which is basic and polar, at codon 565 of the DTHD1 protein (p.Trp565Arg). This variant is present in population databases (rs372527757, gnomAD 0.005%). This variant has not been reported in the literature in individuals affected with DTHD1-related conditions. ClinVar contains an entry for this variant (Variation ID: 2221995). An algorithm developed to predict the effect of missense changes on protein structure and function (PolyPhen-2) suggests that this variant is likely to be disruptive. In summary, the available evidence is currently insufficient to determine the role of this variant in disease. Therefore, it has been classified as a Variant of Uncertain Significance.

Blueprint Genetics
Classification: Uncertain significance. Last evaluated: 2024-09-10. Review status: criteria provided, single submitter. Criteria: ACMG Guidelines, 2015. Collection method: clinical testing. Allele origin: germline.

NM_001170700.3(DTHD1):c.2563T>C (p.Trp855Arg)

Gene: DTHD1 (death domain containing 1; plus strand). Cytogenetic location: 4p14.
Variant type: single nucleotide variant.
Coding change: c.2563T>C on transcript NM_001170700.3 (MANE Select); coding-DNA position 2563, T replaced by C.
Protein change: p.Trp855Arg; replaces tryptophan 855 with arginine.
Molecular consequence: missense variant. On other transcripts: synonymous variant (1), non-coding transcript variant (2).
Genome position (GRCh38, 1-based): chr4:36,343,666, T>C. VCF-style: chr4-36343666-T-C. GRCh37 (hg19) VCF-style: chr4-36345288-T-C.
Other names: c.1572T>C, p.Ser524= (NM_001378435.1); c.1693T>C, p.Trp565Arg (NM_001136536.5); short protein forms W565R, W855R.
Identifiers: ClinVar variation 2221995 (VCV002221995.7), dbSNP rs372527757, ClinGen allele CA2885751.